The following is an entry in ClinVar:

NM_000152.5(GAA):c.692+1G>T

Gene: GAA (alpha glucosidase; plus strand). Cytogenetic location: 17q25.3.
Variant type: single nucleotide variant.
Coding change: c.692+1G>T on transcript NM_000152.5 (MANE Select); the canonical splice donor site of the intron after coding-DNA position 692, G replaced by T.
Molecular consequence: splice donor variant.
Genome position (GRCh38, 1-based): chr17:80,105,895, G>T. VCF-style: chr17-80105895-G-T. GRCh37 (hg19) VCF-style: chr17-78079694-G-T.
Other names: c.692+1G>T (NM_001406741.1, NM_001406742.1, NM_001079803.3 and 1 more transcripts).
Identifiers: ClinVar variation 2956380 (VCV002956380.4), dbSNP rs773281453, ClinGen allele CA401362645.
Genomic context (GRCh38, chr17:80,105,895, plus strand): 5'-GGAGTTCTCCGAGGAGCCCTTCGGGGTGATCGTGCGCCGGCAGCTGGACGGCCGCGTGCT[G>T]TGAGTTCTGGGCTCTGTGCCAGCATGATGGGGAGGGCGACGCGCATTTCTCACACGGCAG-3'

ClinVar aggregate classification (germline): Pathogenic. Review status: criteria provided, multiple submitters, no conflicts (2 of 4 stars). 2 submissions from 2 submitters: Pathogenic (2). Last evaluated 2026-07-01.

Conditions:
Glycogen storage disease, type II (IOPD). Also called: CARDIOMEGALIA GLYCOGENICA DIFFUSA; GLYCOGENOSIS, GENERALIZED, CARDIAC FORM; GSD II; Glycogen storage disease type 2; Acid maltase deficiency disease; Aglucosidase alfa. Identifiers: Orphanet 365, MedGen C0017921, MONDO:0009290, OMIM 232300.

Submissions (2):

Genomenon, Inc
Classification: Pathogenic for Glycogen storage disease, type II. Last evaluated: 2026-07-01. Review status: criteria provided, single submitter. Criteria: Genomenon Sequence Variant Interpretation Standards - Updated. Collection method: curation. Allele origin: germline. Affected: yes.
Comment: GAA c.692+1G>T is a canonical splice variant affecting the donor splice site of intron 3. It is predicted to affect mRNA splicing, leading to a deleterious effect on the GAA protein. This variant has been observed in at least one proband with a GAA-related disorder (PMID:32248831). It is absent or not present at a significant frequency in gnomAD. In conclusion, we classify GAA c.692+1G>T as a pathogenic variant.

Labcorp Genetics (formerly Invitae), Labcorp
Classification: Pathogenic for Glycogen storage disease, type II. Last evaluated: 2024-01-17. Review status: criteria provided, single submitter. Criteria: Invitae Variant Classification Sherloc (09022015). Collection method: clinical testing. Allele origin: germline.
Comment: This sequence change affects a donor splice site in intron 3 of the GAA gene. It is expected to disrupt RNA splicing. Variants that disrupt the donor or acceptor splice site typically lead to a loss of protein function (PMID: 16199547), and loss-of-function variants in GAA are known to be pathogenic (PMID: 18425781, 22252923). This variant is not present in population databases (gnomAD no frequency). Disruption of this splice site has been observed in individuals with glycogen storage disease type II (PMID: 16917947). Algorithms developed to predict the effect of sequence changes on RNA splicing suggest that this variant may disrupt the consensus splice site. For these reasons, this variant has been classified as Pathogenic.

Literature cited by the submitters: PubMed 32248831 (cited by Genomenon, Inc); PubMed 16199547 (cited by Labcorp Genetics (formerly Invitae), Labcorp); PubMed 18425781 (cited by Labcorp Genetics (formerly Invitae), Labcorp); PubMed 22252923 (cited by Labcorp Genetics (formerly Invitae), Labcorp); PubMed 16917947 (cited by Labcorp Genetics (formerly Invitae), Labcorp).